The following is an entry in ClinVar:

NM_000038.6(APC):c.3190G>T (p.Glu1064Ter)

Gene: APC (APC regulator of Wnt signaling pathway; plus strand). Cytogenetic location: 5q22.2.
Variant type: single nucleotide variant.
Coding change: c.3190G>T on transcript NM_000038.6 (MANE Select); coding-DNA position 3190, G replaced by T.
Protein change: p.Glu1064Ter; replaces glutamic acid 1064 with a stop codon.
Molecular consequence: nonsense.
Genome position (GRCh38, 1-based): chr5:112,838,784, G>T. VCF-style: chr5-112838784-G-T. GRCh37 (hg19) VCF-style: chr5-112174481-G-T.
Other names: c.3190G>T, p.Glu1064Ter (NM_001127510.3, NM_001354895.2); c.3136G>T, p.Glu1046Ter (NM_001127511.3); c.3244G>T, p.Glu1082Ter (NM_001354896.2); c.3220G>T, p.Glu1074Ter (NM_001354897.2); c.3115G>T, p.Glu1039Ter (NM_001354898.2); c.3106G>T, p.Glu1036Ter (NM_001354899.2); c.3067G>T, p.Glu1023Ter (NM_001354900.2); c.3013G>T, p.Glu1005Ter (NM_001354901.2); and 5 more; short protein forms E1046*, E1064*, E1039*, E904*, E973*, E1005*, E938*, E963*.
Identifiers: ClinVar variation 433643 (VCV000433643.2), dbSNP rs1462312032, ClinGen allele CA16028330.

ClinVar aggregate classification (germline): Pathogenic (0 of 4 stars; one submission).

Conditions:
Carcinoma of colon (CRC). Also called: Colon carcinoma; Colonic carcinoma. Identifiers: MedGen C0699790, MONDO:0002032.

Submission:

Department of Pathology and Laboratory Medicine, Sinai Health System
Classification: Pathogenic for Carcinoma of colon. Review status: no assertion criteria provided. Collection method: clinical testing. Allele origin: unknown. Affected: yes. Observed: 1 variant allele. Study: The Canadian Open Genetics Repository (COGR).
Comment: The APC p.Glu1064X variant was not identified in the literature. The variant was identified in the COSMIC database 1 time in a carcinoma of the large intestine but no literature was cited. The p.Glu1064X variant leads to a premature stop codon at position 1064, which is predicted to lead to a truncated or absent protein and loss of function. Loss of function variants of the APC gene are an established mechanism of disease in familial adenomatous polyposis and is the type of variant expected to cause the disorder. Notably, this variant occurs in the last exon of the gene and stop codon or nonsense mutations in this region may not be subjected to nonsense mediated RNA decay, although further study would be required to validate this hypothesis and it is currently not possible to determine whether or not this might influence the severity of the disorder. In summary, based on the above information, this variant meets our laboratoryâ€šÃ„Ã´s criteria to be classified as pathogenic.